The following is an entry in ClinVar:

NM_025009.5(CEP135):c.1966G>C (p.Ala656Pro)

Gene: CEP135 (centrosomal protein 135; plus strand). Cytogenetic location: 4q12.
Variant type: single nucleotide variant.
Coding change: c.1966G>C on transcript NM_025009.5 (MANE Select); coding-DNA position 1966, G replaced by C.
Protein change: p.Ala656Pro; replaces alanine 656 with proline.
Molecular consequence: missense variant.
Genome position (GRCh38, 1-based): chr4:55,992,042, G>C. VCF-style: chr4-55992042-G-C. GRCh37 (hg19) VCF-style: chr4-56858208-G-C.
Other names: short protein forms A656P.
Identifiers: ClinVar variation 2179246 (VCV002179246.1), dbSNP rs139076012, ClinGen allele CA2928023.

ClinVar aggregate classification (germline): Uncertain significance (1 of 4 stars; one submission).

Allele frequency attached by ClinVar (database versions not stated): ExAC 0.00002; ESP Exome Variant Server 0.00008; gnomAD 0.00013; TOPMed 0.00014; 1000 Genomes Project 0.00020; 1000 Genomes Project 30x 0.00031.
gnomAD v4.1: 32 of 1,608,096 alleles (0.002%); highest among the groups gnomAD compares: African/African-American, 0.04%; no homozygotes.

Submission:

Labcorp Genetics (formerly Invitae), Labcorp
Classification: Uncertain significance. Last evaluated: 2022-05-12. Review status: criteria provided, single submitter. Criteria: Invitae Variant Classification Sherloc (09022015). Collection method: clinical testing. Allele origin: germline.
Comment: This sequence change replaces alanine, which is neutral and non-polar, with proline, which is neutral and non-polar, at codon 656 of the CEP135 protein (p.Ala656Pro). This variant is present in population databases (rs139076012, gnomAD 0.04%). This variant has not been reported in the literature in individuals affected with CEP135-related conditions. Algorithms developed to predict the effect of missense changes on protein structure and function (SIFT, PolyPhen-2, Align-GVGD) all suggest that this variant is likely to be tolerated. In summary, the available evidence is currently insufficient to determine the role of this variant in disease. Therefore, it has been classified as a Variant of Uncertain Significance.